The following is an entry in ClinVar:

ClinVar aggregate classification (germline): Uncertain significance (1 of 4 stars; one submission).

Submission:

GeneDx
Classification: Uncertain significance. Last evaluated: 2025-06-09. Review status: criteria provided, single submitter. Criteria: GeneDx Variant Classification Process June 2021. Collection method: clinical testing. Allele origin: germline. Affected: yes.
Comment: Not observed at significant frequency in large population cohorts (gnomAD); In silico analysis supports that this missense variant has a deleterious effect on protein structure/function; Has not been previously published as pathogenic or benign to our knowledge

NM_006922.4(SCN3A):c.2269G>C (p.Val757Leu)

Gene: SCN3A (sodium voltage-gated channel alpha subunit 3; minus strand). Cytogenetic location: 2q24.3.
Variant type: single nucleotide variant.
Coding change: c.2269G>C on transcript NM_006922.4 (MANE Select); coding-DNA position 2269, G replaced by C.
Protein change: p.Val757Leu; replaces valine 757 with leucine.
Molecular consequence: missense variant.
Genome position (GRCh38, 1-based): chr2:165,138,001, C>G on the plus strand (G>C on the coding strand, the complement: SCN3A is on the minus strand). VCF-style: chr2-165138001-C-G. GRCh37 (hg19) VCF-style: chr2-165994511-C-G.
Other names: c.2122G>C, p.Val708Leu (NM_001081676.2, NM_001081677.2); short protein forms V708L, V757L.
Identifiers: ClinVar variation 4538118 (VCV004538118.1).